The following is an entry in ClinVar:

ClinVar aggregate classification (germline): Uncertain significance. Review status: criteria provided, multiple submitters, no conflicts (2 of 4 stars). 2 submissions from 2 submitters: Uncertain significance (2). Last evaluated 2024-02-18.

Conditions:
AHDC1-related intellectual disability - obstructive sleep apnea - mild dysmorphism syndrome. Also called: Xia-Gibbs syndrome. Identifiers: Orphanet 412069, MedGen C4014419, MONDO:0014358, OMIM 615829.

Allele frequency attached by ClinVar (database versions not stated): ExAC 0.00001; gnomAD 0.00001; TOPMed 0.00001.
gnomAD v4.1: 9 of 1,613,398 alleles (0.00056%); highest among the groups gnomAD compares: South Asian, 0.0088%; no homozygotes.

Submissions (2):

Labcorp Genetics (formerly Invitae), Labcorp
Classification: Uncertain significance. Last evaluated: 2024-02-18. Review status: criteria provided, single submitter. Criteria: Invitae Variant Classification Sherloc (09022015). Collection method: clinical testing. Allele origin: germline.
Comment: This sequence change replaces threonine, which is neutral and polar, with alanine, which is neutral and non-polar, at codon 234 of the AHDC1 protein (p.Thr234Ala). This variant is present in population databases (rs774922077, gnomAD 0.006%). This variant has not been reported in the literature in individuals affected with AHDC1-related conditions. ClinVar contains an entry for this variant (Variation ID: 2663966). An algorithm developed to predict the effect of missense changes on protein structure and function (PolyPhen-2) suggests that this variant is likely to be tolerated. In summary, the available evidence is currently insufficient to determine the role of this variant in disease. Therefore, it has been classified as a Variant of Uncertain Significance.

Neuberg Centre For Genomic Medicine, NCGM
Classification: Uncertain significance for AHDC1-related intellectual disability - obstructive sleep apnea - mild dysmorphism syndrome. Review status: criteria provided, single submitter. Criteria: ACMG Guidelines, 2015. Collection method: clinical testing. Allele origin: germline. Inheritance: Autosomal dominant inheritance. Affected: yes.

NM_001371928.1(AHDC1):c.700A>G (p.Thr234Ala)

Gene: AHDC1 (AT-hook DNA binding motif containing 1; minus strand). Cytogenetic location: 1p36.11.
Variant type: single nucleotide variant.
Coding change: c.700A>G on transcript NM_001371928.1 (MANE Select); coding-DNA position 700, A replaced by G.
Protein change: p.Thr234Ala; replaces threonine 234 with alanine.
Molecular consequence: missense variant.
Genome position (GRCh38, 1-based): chr1:27,551,416, T>C on the plus strand (A>G on the coding strand, the complement: AHDC1 is on the minus strand). VCF-style: chr1-27551416-T-C. GRCh37 (hg19) VCF-style: chr1-27877927-T-C.
Other names: c.700A>G, p.Thr234Ala (NM_001029882.3); short protein forms T234A.
Identifiers: ClinVar variation 2663966 (VCV002663966.3), dbSNP rs774922077, ClinGen allele CA716098.